The following is an entry in ClinVar:

ClinVar aggregate classification (germline): Uncertain significance (1 of 4 stars; one submission).

Conditions:
Charcot-Marie-Tooth disease axonal type 2Z. Also called: CHARCOT-MARIE-TOOTH DISEASE, AXONAL, AUTOSOMAL DOMINANT, TYPE 2Z; CHARCOT-MARIE-TOOTH NEUROPATHY, TYPE 2Z. Identifiers: Orphanet 466768, MedGen C5569025, MONDO:0014736, OMIM 616688.

Submission:

Labcorp Genetics (formerly Invitae), Labcorp
Classification: Uncertain significance for Charcot-Marie-Tooth disease axonal type 2Z. Last evaluated: 2022-03-16. Review status: criteria provided, single submitter. Criteria: Invitae Variant Classification Sherloc (09022015). Collection method: clinical testing. Allele origin: germline.
Comment: In summary, the available evidence is currently insufficient to determine the role of this variant in disease. Therefore, it has been classified as a Variant of Uncertain Significance. Algorithms developed to predict the effect of sequence changes on RNA splicing suggest that this variant may create or strengthen a splice site. This variant has not been reported in the literature in individuals affected with MORC2-related conditions. This sequence change falls in intron 18 of the MORC2 gene. It does not directly change the encoded amino acid sequence of the MORC2 protein. This variant is not present in population databases (gnomAD no frequency).

NM_001303256.3(MORC2):c.1813-6T>G

Gene: MORC2 (MORC family CW-type zinc finger 2; minus strand). Cytogenetic location: 22q12.2.
Variant type: single nucleotide variant.
Coding change: c.1813-6T>G on transcript NM_001303256.3 (MANE Select); 6 bases into the intron before coding-DNA position 1813, T replaced by G.
Molecular consequence: intron variant.
Genome position (GRCh38, 1-based): chr22:30,935,167, A>C on the plus strand (T>G on the coding strand, the complement: MORC2 is on the minus strand). VCF-style: chr22-30935167-A-C. GRCh37 (hg19) VCF-style: chr22-31331154-A-C.
Other names: c.1813-6T>G (NM_001303257.2); c.1627-6T>G (NM_014941.3).
Identifiers: ClinVar variation 2088244 (VCV002088244.4), dbSNP rs749182345, ClinGen allele CA2580099583.